The following is an entry in ClinVar:

NM_000038.6(APC):c.4976A>G (p.Asp1659Gly)

Gene: APC (APC regulator of Wnt signaling pathway; plus strand). Cytogenetic location: 5q22.2.
Variant type: single nucleotide variant.
Coding change: c.4976A>G on transcript NM_000038.6 (MANE Select); coding-DNA position 4976, A replaced by G.
Protein change: p.Asp1659Gly; replaces aspartic acid 1659 with glycine.
Molecular consequence: missense variant. On other transcripts: non-coding transcript variant (2).
Genome position (GRCh38, 1-based): chr5:112,840,570, A>G. VCF-style: chr5-112840570-A-G. GRCh37 (hg19) VCF-style: chr5-112176267-A-G.
Other names: c.4589A>G, p.Asp1530Gly (NM_001407469.1, NM_001407467.1); c.4127A>G, p.Asp1376Gly (NM_001407470.1, NM_001354906.2); c.3824A>G, p.Asp1275Gly (NM_001407471.1, NM_001407472.1); c.4976A>G, p.Asp1659Gly (NM_001127510.3, NM_001354895.2, NM_001407450.1); c.4922A>G, p.Asp1641Gly (NM_001127511.3); c.5030A>G, p.Asp1677Gly (NM_001354896.2, NM_001407447.1, NM_001407448.1 and 1 more transcripts); c.5006A>G, p.Asp1669Gly (NM_001354897.2); c.4901A>G, p.Asp1634Gly (NM_001354898.2); and 11 more; short protein forms D1499G, D1530G, D1576G, D1618G, D1631G, D1634G, D1649G, D1275G.
Identifiers: ClinVar variation 3412540 (VCV003412540.1).

ClinVar aggregate classification (germline): Uncertain significance (1 of 4 stars; one submission).

Conditions:
Hereditary cancer-predisposing syndrome. Also called: Neoplastic Syndromes, Hereditary; Tumor predisposition; Hereditary Cancer Syndrome; Hereditary neoplastic syndrome. Identifiers: Orphanet 140162, MedGen C0027672, MeSH D009386, MONDO:0015356.

Submission:

Ambry Genetics
Classification: Uncertain significance for Hereditary cancer-predisposing syndrome. Last evaluated: 2024-11-25. Review status: criteria provided, single submitter. Criteria: Ambry Variant Classification Scheme 2023. Collection method: clinical testing. Allele origin: germline.
Comment: The p.D1659G variant (also known as c.4976A>G), located in coding exon 15 of the APC gene, results from an A to G substitution at nucleotide position 4976. The aspartic acid at codon 1659 is replaced by glycine, an amino acid with similar properties. This amino acid position is conserved. In addition, in silico predictors for this gene do not accurately predict pathogenicity. Based on the available evidence, the clinical significance of this variant remains unclear.